The following is an entry in ClinVar:

NM_004064.5(CDKN1B):c.403A>C (p.Thr135Pro)

Gene: CDKN1B (cyclin dependent kinase inhibitor 1B; plus strand). Cytogenetic location: 12p13.1.
Variant type: single nucleotide variant.
Coding change: c.403A>C on transcript NM_004064.5 (MANE Select); coding-DNA position 403, A replaced by C.
Protein change: p.Thr135Pro; replaces threonine 135 with proline.
Molecular consequence: missense variant.
Genome position (GRCh38, 1-based): chr12:12,718,242, A>C. VCF-style: chr12-12718242-A-C. GRCh37 (hg19) VCF-style: chr12-12871176-A-C.
Other names: c.403A>C (NM_004064.3); short protein forms T135P.
Identifiers: ClinVar variation 1719140 (VCV001719140.7), dbSNP rs2136356443, ClinGen allele CA383970624.

ClinVar aggregate classification (germline): Uncertain significance. Review status: criteria provided, multiple submitters, no conflicts (2 of 4 stars). 2 submissions from 2 submitters: Uncertain significance (2). Last evaluated 2023-02-21.

Conditions:
Multiple endocrine neoplasia type 4. Also called: MULTIPLE ENDOCRINE NEOPLASIA, TYPE IV. Identifiers: Orphanet 276152, MedGen C1970712, MONDO:0012552, OMIM 610755.
Hereditary cancer-predisposing syndrome. Also called: Hereditary neoplastic syndrome; Tumor predisposition; Neoplastic Syndromes, Hereditary; Hereditary Cancer Syndrome. Identifiers: Orphanet 140162, MedGen C0027672, MeSH D009386, MONDO:0015356.

Allele frequency attached by ClinVar (database versions not stated): gnomAD exomes below 0.00001.
gnomAD v4.1: 1 of 1,611,944 alleles (0.000062%); highest among the groups gnomAD compares: Non-Finnish European, 0.000085%; no homozygotes.

Submissions (2):

Ambry Genetics
Classification: Uncertain significance for Hereditary cancer-predisposing syndrome. Last evaluated: 2023-02-21. Review status: criteria provided, single submitter. Criteria: Ambry Variant Classification Scheme 2023. Collection method: clinical testing. Allele origin: germline.
Comment: The p.T135P variant (also known as c.403A>C), located in coding exon 1 of the CDKN1B gene, results from an A to C substitution at nucleotide position 403. The threonine at codon 135 is replaced by proline, an amino acid with highly similar properties. This amino acid position is not well conserved in available vertebrate species. In addition, this alteration is predicted to be tolerated by in silico analysis. Since supporting evidence is limited at this time, the clinical significance of this alteration remains unclear.

Labcorp Genetics (formerly Invitae), Labcorp
Classification: Uncertain significance for Multiple endocrine neoplasia type 4. Last evaluated: 2022-09-09. Review status: criteria provided, single submitter. Criteria: Invitae Variant Classification Sherloc (09022015). Collection method: clinical testing. Allele origin: germline.
Comment: This variant is not present in population databases (gnomAD no frequency). In summary, the available evidence is currently insufficient to determine the role of this variant in disease. Therefore, it has been classified as a Variant of Uncertain Significance. Algorithms developed to predict the effect of missense changes on protein structure and function output the following: SIFT: "Tolerated"; PolyPhen-2: "Benign"; Align-GVGD: "Class C0". The proline amino acid residue is found in multiple mammalian species, which suggests that this missense change does not adversely affect protein function. This variant has not been reported in the literature in individuals affected with CDKN1B-related conditions. This sequence change replaces threonine, which is neutral and polar, with proline, which is neutral and non-polar, at codon 135 of the CDKN1B protein (p.Thr135Pro).